The following is an entry in ClinVar:

ClinVar aggregate classification (germline): Conflicting classifications of pathogenicity. Review status: criteria provided, conflicting classifications (1 of 4 stars). 8 submissions from 8 submitters: Uncertain significance (5); Benign (1); Likely benign (1). 1 of the submissions does not count toward it. Last evaluated 2025-11-13.

Conditions:
Hereditary nonpolyposis colorectal neoplasms. Identifiers: MedGen C0009405, MeSH D003123.
Hereditary cancer-predisposing syndrome. Also called: Tumor predisposition; Hereditary Cancer Syndrome; Hereditary neoplastic syndrome; Neoplastic Syndromes, Hereditary. Identifiers: Orphanet 140162, MedGen C0027672, MeSH D009386, MONDO:0015356.
Lynch syndrome. Identifiers: Orphanet 144, MedGen C4552100, MONDO:0005835. Disease mechanism: loss of function.
Lynch syndrome 5 (LYNCH5). Also called: Colorectal cancer, hereditary nonpolyposis, type 5; Hereditary non-polyposis colorectal cancer, type 5. Identifiers: Orphanet 144, MedGen C1833477, MONDO:0013710, OMIM 614350. Disease mechanism: loss of function.

Allele frequency attached by ClinVar (database versions not stated): gnomAD exomes below 0.00001; ExAC 0.00001; gnomAD 0.00003; TOPMed 0.00003; ESP Exome Variant Server 0.00015.
gnomAD v4.1: 9 of 1,602,968 alleles (0.00056%); highest among the groups gnomAD compares: African/African-American, 0.004%; no homozygotes.

Submissions (8):

Labcorp Genetics (formerly Invitae), Labcorp
Classification: Benign for Hereditary nonpolyposis colorectal neoplasms. Last evaluated: 2025-11-13. Review status: criteria provided, single submitter. Criteria: Invitae Variant Classification Sherloc (09022015). Collection method: clinical testing. Allele origin: germline.

Myriad Genetics, Inc.
Classification: Likely benign for Lynch syndrome 5. Last evaluated: 2025-01-03. Review status: criteria provided, single submitter. Criteria: Myriad Autosomal Dominant, Autosomal Recessive and X-Linked Classification Criteria (2023). Collection method: clinical testing. Allele origin: unknown.
Comment: This variant is considered likely benign. This variant is strongly associated with less severe personal and family histories of cancer, typical for individuals without pathogenic variants in this gene [PMID: 27363726].

Ambry Genetics
Classification: Uncertain significance for Hereditary cancer-predisposing syndrome. Last evaluated: 2024-12-20. Review status: criteria provided, single submitter. Criteria: Ambry Variant Classification Scheme 2023. Collection method: clinical testing. Allele origin: germline.
Comment: The p.R1024Q variant (also known as c.3071G>A), located in coding exon 4 of the MSH6 gene, results from a G to A substitution at nucleotide position 3071. The arginine at codon 1024 is replaced by glutamine, an amino acid with highly similar properties. This amino acid position is well conserved in available vertebrate species. In addition, the in silico prediction for this alteration is inconclusive. Based on the available evidence, the clinical significance of this variant remains unclear.

All of Us Research Program, National Institutes of Health
Classification: Uncertain significance for Lynch syndrome. Last evaluated: 2023-12-01. Review status: criteria provided, single submitter. Criteria: ACMG Guidelines, 2015. Collection method: clinical testing. Allele origin: germline. Inheritance: Autosomal dominant inheritance. Observed: 2 variant alleles, 2 heterozygotes.
Comment: This missense variant replaces arginine with glutamine at codon 1024 of the MSH6 protein. Computational prediction is inconclusive regarding the impact of this variant on protein structure and function (internally defined REVEL score threshold 0.5 < inconclusive < 0.7, PMID: 27666373). To our knowledge, functional studies have not been reported for this variant. This variant has not been reported in individuals affected with MSH6-related disorders in the literature. This variant has been identified in 2/274522 chromosomes in the general population by the Genome Aggregation Database (gnomAD). The available evidence is insufficient to determine the role of this variant in disease conclusively. Therefore, this variant is classified as a Variant of Uncertain Significance.

This study involves interpretation of variants in research participants for the purpose of population health screening. Participant phenotype was not available at the time of variant classification. Additional details can be found in publication PMID: 35346344, PMCID: PMC8962531

GeneDx
Classification: Uncertain significance. Last evaluated: 2023-11-22. Review status: criteria provided, single submitter. Criteria: GeneDx Variant Classification Process June 2021. Collection method: clinical testing. Allele origin: germline. Affected: yes.
Comment: Not observed at significant frequency in large population cohorts (gnomAD); In silico analysis supports that this missense variant does not alter protein structure/function; Observed in individuals with breast cancer (PMID: 35449176); This variant is associated with the following publications: (PMID: 36232418, 12732731, 17531815, 21120944, 30267214, 35449176)

Color Diagnostics, LLC DBA Color Health
Classification: Uncertain significance for Hereditary cancer-predisposing syndrome. Last evaluated: 2023-08-10. Review status: criteria provided, single submitter. Criteria: ACMG Guidelines, 2015. Collection method: clinical testing. Allele origin: germline.
Comment: This missense variant replaces arginine with glutamine at codon 1024 of the MSH6 protein. Computational prediction is inconclusive regarding the impact of this variant on protein structure and function (internally defined REVEL score threshold 0.5 < inconclusive < 0.7, PMID: 27666373). To our knowledge, functional studies have not been reported for this variant. This variant has not been reported in individuals affected with MSH6-related disorders in the literature. This variant has been identified in 2/274522 chromosomes in the general population by the Genome Aggregation Database (gnomAD). The available evidence is insufficient to determine the role of this variant in disease conclusively. Therefore, this variant is classified as a Variant of Uncertain Significance.

Quest Diagnostics Nichols Institute San Juan Capistrano
Classification: Uncertain significance. Last evaluated: 2017-03-04. Review status: criteria provided, single submitter. Criteria: Quest Diagnostics criteria. Collection method: clinical testing. Allele origin: germline.

Counsyl
Classification: Uncertain significance for Lynch syndrome 5. Last evaluated: 2015-12-23. Review status: no assertion criteria provided. Collection method: clinical testing. Allele origin: unknown. Not counted in ClinVar's aggregate classification.

Literature cited by the submitters: PubMed 27363726 (cited by Myriad Genetics, Inc.); PubMed 30267214 (cited by Ambry Genetics); PubMed 12732731 (cited by Quest Diagnostics Nichols Institute San Juan Capistrano).

NM_000179.3(MSH6):c.3071G>A (p.Arg1024Gln)

Gene: MSH6 (mutS homolog 6; plus strand). Cytogenetic location: 2p16.3.
Variant type: single nucleotide variant.
Coding change: c.3071G>A on transcript NM_000179.3 (MANE Select); coding-DNA position 3071, G replaced by A.
Protein change: p.Arg1024Gln; replaces arginine 1024 with glutamine.
Molecular consequence: missense variant.
Genome position (GRCh38, 1-based): chr2:47,801,054, G>A. VCF-style: chr2-47801054-G-A. GRCh37 (hg19) VCF-style: chr2-48028193-G-A.
Other names: p.R1024Q:CGG>CAG; c.2681G>A, p.Arg894Gln (NM_001281492.2); c.2165G>A, p.Arg722Gln (NM_001281493.2, NM_001281494.2); short protein forms R1024Q, R722Q, R894Q.
Identifiers: ClinVar variation 182640 (VCV000182640.29), dbSNP rs372705506, ClinGen allele CA011493.